The following is an entry in ClinVar:

NM_201384.3(PLEC):c.5876T>C (p.Leu1959Pro)

Gene: PLEC (plectin; minus strand). Cytogenetic location: 8q24.3.
Variant type: single nucleotide variant.
Coding change: c.5876T>C on transcript NM_201384.3 (MANE Select); coding-DNA position 5876, T replaced by C.
Protein change: p.Leu1959Pro; replaces leucine 1959 with proline.
Molecular consequence: missense variant.
Genome position (GRCh38, 1-based): chr8:143,924,053, A>G on the plus strand (T>C on the coding strand, the complement: PLEC is on the minus strand). VCF-style: chr8-143924053-A-G. GRCh37 (hg19) VCF-style: chr8-144998221-A-G.
Other names: c.5957T>C, p.Leu1986Pro (NM_000445.5); c.5834T>C, p.Leu1945Pro (NM_201378.4); c.5810T>C, p.Leu1937Pro (NM_201379.3); c.6287T>C, p.Leu2096Pro (NM_201380.4); c.5780T>C, p.Leu1927Pro (NM_201381.3); c.5876T>C, p.Leu1959Pro (NM_201382.4); c.5888T>C, p.Leu1963Pro (NM_201383.3); short protein forms L1927P, L1937P, L1945P, L1959P, L1963P, L1986P, L2096P.
Identifiers: ClinVar variation 1061533 (VCV001061533.5), dbSNP rs2131371188, ClinGen allele CA372541127.

ClinVar aggregate classification (germline): Uncertain significance (1 of 4 stars; one submission).

Conditions:
Epidermolysis bullosa simplex with nail dystrophy (EBS5D). Identifiers: MedGen C4225309, MONDO:0014661, OMIM 616487.
Epidermolysis bullosa simplex 5C, with pyloric atresia (EBS5C). Also called: PLEC-Related Epidermolysis Bullosa with Pyloric Atresia; Epidermolysis bullosa simplex with pyloric atresia; PLEC1-Related Epidermolysis Bullosa with Pyloric Atresia. Identifiers: Orphanet 158684, MedGen C2677349, MONDO:0012807, OMIM 612138.
Epidermolysis bullosa simplex 5B, with muscular dystrophy (EBS5B). Also called: Epidermolysis bullosa simplex with muscular dystrophy; EPIDERMOLYSIS BULLOSA SIMPLEX AND LIMB-GIRDLE MUSCULAR DYSTROPHY. Identifiers: Orphanet 257, MedGen C2931072, MONDO:0009181, OMIM 226670.
Epidermolysis bullosa simplex, Ogna type (EBS5A). Also called: Pidermolysis bullosa simplex 5A, Ogna type; EPIDERMOLYSIS BULLOSA SIMPLEX 5A, OGNA TYPE. Identifiers: Orphanet 79401, MedGen C0432317, MONDO:0007555, OMIM 131950.
Autosomal recessive limb-girdle muscular dystrophy type 2Q (LGMDR17). Also called: MUSCULAR DYSTROPHY, LIMB-GIRDLE, AUTOSOMAL RECESSIVE 17. Identifiers: Orphanet 254361, MedGen C3150989, MONDO:0013390, OMIM 613723.

Submission:

Labcorp Genetics (formerly Invitae), Labcorp
Classification: Uncertain significance for Autosomal recessive limb-girdle muscular dystrophy type 2Q; Epidermolysis bullosa simplex, Ogna type; Epidermolysis bullosa simplex with nail dystrophy; Epidermolysis bullosa simplex 5C, with pyloric atresia; Epidermolysis bullosa simplex 5B, with muscular dystrophy. Last evaluated: 2023-07-07. Review status: criteria provided, single submitter. Criteria: Invitae Variant Classification Sherloc (09022015). Collection method: clinical testing. Allele origin: germline.
Comment: ClinVar contains an entry for this variant (Variation ID: 1061533). In summary, the available evidence is currently insufficient to determine the role of this variant in disease. Therefore, it has been classified as a Variant of Uncertain Significance. Experimental studies and prediction algorithms are not available or were not evaluated, and the functional significance of this variant is currently unknown. This variant has not been reported in the literature in individuals affected with PLEC-related conditions. This variant is not present in population databases (gnomAD no frequency). This sequence change replaces leucine, which is neutral and non-polar, with proline, which is neutral and non-polar, at codon 1986 of the PLEC protein (p.Leu1986Pro).